The following is an entry in ClinVar:

NM_024757.5(EHMT1):c.3573C>A (p.Phe1191Leu)

Gene: EHMT1 (euchromatic histone lysine methyltransferase 1; plus strand). Cytogenetic location: 9q34.3.
Variant type: single nucleotide variant.
Coding change: c.3573C>A on transcript NM_024757.5 (MANE Select); coding-DNA position 3573, C replaced by A.
Protein change: p.Phe1191Leu; replaces phenylalanine 1191 with leucine.
Molecular consequence: missense variant.
Genome position (GRCh38, 1-based): chr9:137,834,381, C>A. VCF-style: chr9-137834381-C-A. GRCh37 (hg19) VCF-style: chr9-140728833-C-A.
Other names: c.3552C>A, p.Phe1184Leu (NM_001354263.2); short protein forms F1191L, F1184L.
Identifiers: ClinVar variation 587757 (VCV000587757.6), dbSNP rs1564845598, ClinGen allele CA375781316.

ClinVar aggregate classification (germline): Uncertain significance. Review status: criteria provided, multiple submitters, no conflicts (2 of 4 stars). 2 submissions from 2 submitters: Uncertain significance (2). Last evaluated 2025-03-14.

Conditions:
Inborn genetic diseases. Identifiers: MedGen C0950123, MeSH D030342.

Submissions (2):

GeneDx
Classification: Uncertain significance. Last evaluated: 2025-03-14. Review status: criteria provided, single submitter. Criteria: GeneDx Variant Classification Process June 2021. Collection method: clinical testing. Allele origin: germline. Affected: yes.
Comment: Not observed at significant frequency in large population cohorts (gnomAD); In silico analysis supports that this missense variant has a deleterious effect on protein structure/function; Has not been previously published as pathogenic or benign to our knowledge

Ambry Genetics
Classification: Uncertain significance for Inborn genetic diseases. Last evaluated: 2016-04-29. Review status: criteria provided, single submitter. Criteria: Ambry Variant Classification Scheme 2023. Collection method: clinical testing. Allele origin: germline.
Comment: The p.F1191L variant (also known as c.3573C>A), located in coding exon 26 of the EHMT1 gene, results from a C to A substitution at nucleotide position 3573. The phenylalanine at codon 1191 is replaced by leucine, an amino acid with highly similar properties. This variant was not reported in population based cohorts in the following databases: Database of Single Nucleotide Polymorphisms (dbSNP), NHLBI Exome Sequencing Project (ESP), and 1000 Genomes Project. In the ESP, this variant was not observed in 6502 samples (13004 alleles) with coverage at this position. This amino acid position is well conserved in available vertebrate species. In addition, this alteration is predicted to be tolerated by in silico analysis. Since supporting evidence is limited at this time, the clinical significance of this alteration remains unclear.